The following is an entry in ClinVar:

NM_001042492.3(NF1):c.5348A>G (p.Tyr1783Cys)

Gene: NF1 (neurofibromin 1; plus strand). Cytogenetic location: 17q11.2.
Variant type: single nucleotide variant.
Coding change: c.5348A>G on transcript NM_001042492.3 (MANE Select); coding-DNA position 5348, A replaced by G.
Protein change: p.Tyr1783Cys; replaces tyrosine 1783 with cysteine.
Molecular consequence: missense variant.
Genome position (GRCh38, 1-based): chr17:31,327,578, A>G. VCF-style: chr17-31327578-A-G. GRCh37 (hg19) VCF-style: chr17-29654596-A-G.
Other names: c.5285A>G, p.Tyr1762Cys (NM_000267.4); short protein forms Y1783C, Y1762C.
Identifiers: ClinVar variation 825618 (VCV000825618.13), dbSNP rs1597831963, ClinGen allele CA399009236.

ClinVar aggregate classification (germline): Uncertain significance. Review status: criteria provided, multiple submitters, no conflicts (2 of 4 stars). 3 submissions from 3 submitters: Uncertain significance (3). Last evaluated 2025-04-09.

Conditions:
Hereditary cancer-predisposing syndrome. Also called: Neoplastic Syndromes, Hereditary; Hereditary Cancer Syndrome; Hereditary neoplastic syndrome; Tumor predisposition. Identifiers: Orphanet 140162, MedGen C0027672, MeSH D009386, MONDO:0015356.
Cardiovascular phenotype. Identifiers: MedGen CN230736.
Neurofibromatosis, type 1 (NF1). Also called: Neurofibromatosis, type I; Peripheral type neurofibromatosis; VON RECKLINGHAUSEN DISEASE; NEUROFIBROMATOSIS, TYPE I, SOMATIC. Identifiers: Orphanet 636, MedGen C0027831, MONDO:0018975, OMIM 162200. Disease mechanism: loss of function.

Submissions (3):

Ambry Genetics
Classification: Uncertain significance for Cardiovascular phenotype; Hereditary cancer-predisposing syndrome. Last evaluated: 2025-04-09. Review status: criteria provided, single submitter. Criteria: Ambry Variant Classification Scheme 2023. Collection method: clinical testing. Allele origin: germline.
Comment: The p.Y1762C variant (also known as c.5285A>G), located in coding exon 37 of the NF1 gene, results from an A to G substitution at nucleotide position 5285. The tyrosine at codon 1762 is replaced by cysteine, an amino acid with highly dissimilar properties. This amino acid position is highly conserved in available vertebrate species. In addition, this alteration is predicted to be deleterious by in silico analysis. Based on the available evidence, the clinical significance of this variant remains unclear.

Labcorp Genetics (formerly Invitae), Labcorp
Classification: Uncertain significance for Neurofibromatosis, type 1. Last evaluated: 2024-03-06. Review status: criteria provided, single submitter. Criteria: Invitae Variant Classification Sherloc (09022015). Collection method: clinical testing. Allele origin: germline.
Comment: This sequence change replaces tyrosine, which is neutral and polar, with cysteine, which is neutral and slightly polar, at codon 1762 of the NF1 protein (p.Tyr1762Cys). This variant is not present in population databases (gnomAD no frequency). This variant has not been reported in the literature in individuals affected with NF1-related conditions. ClinVar contains an entry for this variant (Variation ID: 825618). Advanced modeling of protein sequence and biophysical properties (such as structural, functional, and spatial information, amino acid conservation, physicochemical variation, residue mobility, and thermodynamic stability) performed at Invitae indicates that this missense variant is expected to disrupt NF1 protein function with a positive predictive value of 95%. In summary, the available evidence is currently insufficient to determine the role of this variant in disease. Therefore, it has been classified as a Variant of Uncertain Significance.

Genome-Nilou Lab
Classification: Uncertain significance for Neurofibromatosis, type 1. Last evaluated: 2022-03-15. Review status: criteria provided, single submitter. Criteria: ACMG Guidelines, 2015. Collection method: clinical testing. Allele origin: germline. Affected: no.